The following is an entry in ClinVar:

ClinVar aggregate classification (germline): Likely benign. Review status: criteria provided, multiple submitters, no conflicts (2 of 4 stars). 4 submissions from 4 submitters: Likely benign (3). 1 of the submissions does not count toward it. Last evaluated 2026-06-01.

Conditions:
ZSWIM6-related disorder. Also called: ZSWIM6-related condition.

Allele frequency attached by ClinVar (database versions not stated): 1000 Genomes Project 0.00020; gnomAD exomes 0.00031 and 0.00182; TOPMed 0.00088; 1000 Genomes Project 30x 0.00094; gnomAD 0.00094.
gnomAD v4.1: 1,733 of 1,021,914 alleles (0.17%); highest among the groups gnomAD compares: Non-Finnish European, 0.19%; 3 homozygotes.

Submissions (4):

CeGaT Center for Human Genetics Tuebingen
Classification: Likely benign. Last evaluated: 2026-06-01. Review status: criteria provided, single submitter. Criteria: CeGaT Center For Human Genetics Tuebingen Variant Classification Criteria Version 2. Collection method: clinical testing. Allele origin: germline. Affected: yes. Observed: 11 variant alleles.
Comment: ZSWIM6: BP4, BP7

Labcorp Genetics (formerly Invitae), Labcorp
Classification: Likely benign. Last evaluated: 2025-10-07. Review status: criteria provided, single submitter. Criteria: Invitae Variant Classification Sherloc (09022015). Collection method: clinical testing. Allele origin: germline.

Blueprint Genetics
Classification: Likely benign. Last evaluated: 2024-10-16. Review status: criteria provided, single submitter. Criteria: ACMG Guidelines, 2015. Collection method: clinical testing. Allele origin: germline.

PreventionGenetics, part of Exact Sciences
Classification: Likely benign for ZSWIM6-related condition. Last evaluated: 2021-11-09. Review status: no assertion criteria provided. Collection method: clinical testing. Allele origin: germline. Not counted in ClinVar's aggregate classification.
Comment: This variant is classified as likely benign based on ACMG/AMP sequence variant interpretation guidelines (Richards et al. 2015 PMID: 25741868, with internal and published modifications).

NM_020928.2(ZSWIM6):c.174G>C (p.Gly58=)

Gene: ZSWIM6 (zinc finger SWIM-type containing 6; plus strand). Cytogenetic location: 5q12.1.
Variant type: single nucleotide variant.
Coding change: c.174G>C on transcript NM_020928.2 (MANE Select); coding-DNA position 174, G replaced by C.
Protein change: p.Gly58=; no amino-acid change (glycine 58 retained).
Molecular consequence: synonymous variant.
Genome position (GRCh38, 1-based): chr5:61,332,446, G>C. VCF-style: chr5-61332446-G-C. GRCh37 (hg19) VCF-style: chr5-60628273-G-C.
Other names: c.174G>C (NM_020928.1).
Identifiers: ClinVar variation 1629051 (VCV001629051.41), dbSNP rs571004627, ClinGen allele CA119631645.